The following is an entry in ClinVar:

NM_020207.7(ERCC6L2):c.4532C>G (p.Pro1511Arg)

Gene: ERCC6L2 (ERCC excision repair 6 like 2; plus strand). Cytogenetic location: 9q22.32.
Variant type: single nucleotide variant.
Coding change: c.4532C>G on transcript NM_020207.7 (MANE Select); coding-DNA position 4532, C replaced by G.
Protein change: p.Pro1511Arg; replaces proline 1511 with arginine.
Molecular consequence: missense variant. On other transcripts: non-coding transcript variant (1), intron variant (2).
Genome position (GRCh38, 1-based): chr9:96,013,082, C>G. VCF-style: chr9-96013082-C-G. GRCh37 (hg19) VCF-style: chr9-98775364-C-G.
Other names: c.3674+8381C>G (NM_001375291.1, NM_001375292.1); short protein forms P1511R.
Identifiers: ClinVar variation 1507943 (VCV001507943.4), dbSNP rs200101307, ClinGen allele CA5140123.
Genomic context (GRCh38, chr9:96,013,082, plus strand): 5'-GTAAACTCACAGACTTGGCAGTAATAGAGACTCTGTGTGAAAAAGCACCTCTAGCAGCAC[C>G]CTTTAAAAGGAGAGAAGAGCCAGCAACTTCTCTTTGGAAATCAAATGAGAAATTTTTATG-3'
Protein context (NP_064592.3, residues 1501-1521): TLCEKAPLAA[Pro1511Arg]FKRREEPATS

ClinVar aggregate classification (germline): Uncertain significance. Review status: criteria provided, multiple submitters, no conflicts (2 of 4 stars). 2 submissions from 2 submitters: Uncertain significance (2). Last evaluated 2024-04-24.

Allele frequency attached by ClinVar (database versions not stated): ExAC 0.00007; gnomAD exomes 0.00007 and 0.00019; gnomAD 0.00008 and 0.00009; TOPMed 0.00008.
gnomAD v4.1: 235 of 1,367,456 alleles (0.017%); highest among the groups gnomAD compares: Non-Finnish European, 0.022%; no homozygotes.

Submissions (2):

Blueprint Genetics
Classification: Uncertain significance. Last evaluated: 2024-04-24. Review status: criteria provided, single submitter. Criteria: ACMG Guidelines, 2015. Collection method: clinical testing. Allele origin: germline.

Labcorp Genetics (formerly Invitae), Labcorp
Classification: Uncertain significance. Last evaluated: 2022-04-09. Review status: criteria provided, single submitter. Criteria: Invitae Variant Classification Sherloc (09022015). Collection method: clinical testing. Allele origin: germline.
Comment: This sequence change replaces proline, which is neutral and non-polar, with arginine, which is basic and polar, at codon 1522 of the ERCC6L2 protein (p.Pro1522Arg). This variant is present in population databases (rs200101307, gnomAD 0.01%). This variant has not been reported in the literature in individuals affected with ERCC6L2-related conditions. Algorithms developed to predict the effect of missense changes on protein structure and function are either unavailable or do not agree on the potential impact of this missense change (SIFT: "Tolerated"; PolyPhen-2: "Not Available"; Align-GVGD: "Class C0"). In summary, the available evidence is currently insufficient to determine the role of this variant in disease. Therefore, it has been classified as a Variant of Uncertain Significance.